The following is an entry in ClinVar:

NM_016373.4(WWOX):c.1039C>T (p.Pro347Ser)

Gene: WWOX (WW domain containing oxidoreductase; plus strand). Cytogenetic location: 16q23.1.
Variant type: single nucleotide variant.
Coding change: c.1039C>T on transcript NM_016373.4 (MANE Select); coding-DNA position 1039, C replaced by T.
Protein change: p.Pro347Ser; replaces proline 347 with serine.
Molecular consequence: missense variant.
Genome position (GRCh38, 1-based): chr16:78,432,735, C>T. VCF-style: chr16-78432735-C-T. GRCh37 (hg19) VCF-style: chr16-78466632-C-T.
Other names: c.700C>T, p.Pro234Ser (NM_001291997.2); short protein forms P234S, P347S.
Identifiers: ClinVar variation 3027259 (VCV003027259.22), dbSNP rs200699154, ClinGen allele CA396843507.

ClinVar aggregate classification (germline): Uncertain significance (1 of 4 stars; one submission).

gnomAD v4.1: 8 of 1,614,172 alleles (0.0005%); highest among the groups gnomAD compares: East Asian, 0.0067%; no homozygotes.

Submission:

CeGaT Center for Human Genetics Tuebingen
Classification: Uncertain significance. Last evaluated: 2024-02-01. Review status: criteria provided, single submitter. Criteria: CeGaT Center For Human Genetics Tuebingen Variant Classification Criteria Version 2. Collection method: clinical testing. Allele origin: germline. Affected: yes. Observed: 1 variant allele.
Comment: WWOX: PM2, PP3